The following is an entry in ClinVar:

NM_000016.6(ACADM):c.503A>G (p.Asp168Gly)

Gene: ACADM (acyl-CoA dehydrogenase medium chain; plus strand). Cytogenetic location: 1p31.1.
Variant type: single nucleotide variant.
Coding change: c.503A>G on transcript NM_000016.6 (MANE Select); coding-DNA position 503, A replaced by G.
Protein change: p.Asp168Gly; replaces aspartic acid 168 with glycine.
Molecular consequence: missense variant. On other transcripts: 5 prime UTR variant (1).
Genome position (GRCh38, 1-based): chr1:75,740,014, A>G. VCF-style: chr1-75740014-A-G. GRCh37 (hg19) VCF-style: chr1-76205699-A-G.
Other names: c.515A>G, p.Asp172Gly (NM_001127328.3); c.395A>G, p.Asp132Gly (NM_001286042.2); c.602A>G, p.Asp201Gly (NM_001286043.2); c.-65A>G (NM_001286044.2); short protein forms D132G, D172G, D201G, D168G.
Identifiers: ClinVar variation 835112 (VCV000835112.6), dbSNP rs745844469, ClinGen allele CA340814966.

ClinVar aggregate classification (germline): Pathogenic (1 of 4 stars; one submission).

Conditions:
Medium-chain acyl-coenzyme A dehydrogenase deficiency (ACADMD). Also called: MCADH DEFICIENCY; ACADM DEFICIENCY; MCADD; MCAD Deficiency; CARNITINE DEFICIENCY SECONDARY TO MEDIUM-CHAIN ACYL-CoA DEHYDROGENASE DEFICIENCY; Medium chain acyl-CoA dehydrogenase deficiency. Identifiers: Orphanet 42, MedGen C0220710, MONDO:0008721, OMIM 201450.

Submission:

Labcorp Genetics (formerly Invitae), Labcorp
Classification: Pathogenic for Medium-chain acyl-coenzyme A dehydrogenase deficiency. Last evaluated: 2026-01-26. Review status: criteria provided, single submitter. Criteria: Invitae Variant Classification Sherloc (09022015). Collection method: clinical testing. Allele origin: germline.
Comment: This sequence change replaces aspartic acid, which is acidic and polar, with glycine, which is neutral and non-polar, at codon 168 of the ACADM protein (p.Asp168Gly). This variant is not present in population databases (gnomAD no frequency). This missense change has been observed in individual(s) with MCAD deficiency (internal data). ClinVar contains an entry for this variant (Variation ID: 835112). Invitae Evidence Modeling of protein sequence and biophysical properties (such as structural, functional, and spatial information, amino acid conservation, physicochemical variation, residue mobility, and thermodynamic stability) indicates that this missense variant is expected to disrupt ACADM protein function with a positive predictive value of 80%. This variant disrupts the p.Asp168 amino acid residue in ACADM. Other variant(s) that disrupt this residue have been observed in individuals with ACADM-related conditions (PMID: 21083904, 23829193), which suggests that this may be a clinically significant amino acid residue. For these reasons, this variant has been classified as Pathogenic.

Literature cited by the submitters: PubMed 21083904; PubMed 23829193.